The following is an entry in ClinVar:

NM_001868.4(CPA1):c.67C>T (p.His23Tyr)

Gene: CPA1 (carboxypeptidase A1; plus strand). Cytogenetic location: 7q32.2.
Variant type: single nucleotide variant.
Coding change: c.67C>T on transcript NM_001868.4 (MANE Select); coding-DNA position 67, C replaced by T.
Protein change: p.His23Tyr; replaces histidine 23 with tyrosine.
Molecular consequence: missense variant.
Genome position (GRCh38, 1-based): chr7:130,381,099, C>T. VCF-style: chr7-130381099-C-T. GRCh37 (hg19) VCF-style: chr7-130020940-C-T.
Other names: short protein forms H23Y.
Identifiers: ClinVar variation 4006051 (VCV004006051.1).

ClinVar aggregate classification (germline): Uncertain significance (1 of 4 stars; one submission).

Conditions:
Hereditary pancreatitis (PCTT). Also called: Hereditary chronic pancreatitis; PRSS1-Related Hereditary Pancreatitis. Identifiers: Orphanet 676, MedGen C0238339, MONDO:0008185, OMIM 167800.

Submission:

Ambry Genetics
Classification: Uncertain significance for Hereditary pancreatitis. Last evaluated: 2025-04-19. Review status: criteria provided, single submitter. Criteria: Ambry Variant Classification Scheme 2023. Collection method: clinical testing. Allele origin: germline.
Comment: The p.H23Y variant (also known as c.67C>T), located in coding exon 2 of the CPA1 gene, results from a C to T substitution at nucleotide position 67. The histidine at codon 23 is replaced by tyrosine, an amino acid with similar properties. This amino acid position is conserved. In addition, this alteration is predicted to be tolerated by in silico analysis. Based on the available evidence, the clinical significance of this variant remains unclear.